The following is an entry in ClinVar:

ClinVar aggregate classification (germline): Likely pathogenic (1 of 4 stars; one submission).

Conditions:
Cone-rod dystrophy 18 (CORD18). Identifiers: Orphanet 1872, MedGen C3809299, MONDO:0014153, OMIM 615374.

Submission:

Division of Genetic & Genomic Pathology, Hong Kong Children's Hospital
Classification: Likely pathogenic for Cone-rod dystrophy 18. Last evaluated: 2025-08-01. Review status: criteria provided, single submitter. Criteria: ACMG Guidelines, 2015. Collection method: clinical testing. Allele origin: germline. Affected: yes.
Comment: RAB28 c.128_131del is a 4 bp deletion located in exon 2 (out of 7 exons). It causes frameshift and is predicted to result in loss of protein function by nonsense-mediated mRNA decay, and loss-of-function is apparently the mechanism of disease for RAB28-related cone-rod dystrophy (PMID: 33396523). This variant is present at a very low frequency in population controls (gnomAD v4.1.0: 2 in 1,176,916 alleles in non-Finnish European and absent in other populations, 0 homozygote). For these reasons, the variant is classified as likely pathogenic.

Literature cited by the submitters: PubMed 33396523.

NM_001017979.3(RAB28):c.128_131del (p.Gln43fs)

Gene: RAB28 (RAB28, member RAS oncogene family; minus strand). Cytogenetic location: 4p15.33.
Variant type: Microsatellite.
Coding change: c.128_131del on transcript NM_001017979.3 (MANE Select); coding-DNA positions 128 to 131, 4 bases deleted (AAAC; older notation c.128_131delAAAC).
Protein change: p.Gln43fs; shifts the reading frame from glutamine 43.
Molecular consequence: frameshift variant.
Genome position (GRCh38, 1-based): chr4:13,479,471-13,479,474, GTTT deleted on the plus strand (AAAC on the coding strand, the reverse complement: RAB28 is on the minus strand); deleting any 4 consecutive bases within chr4:13,479,471-13,479,480 gives the same sequence; the c. name uses the placement nearest the transcript's 3' end. VCF-style (leftmost placement, unchanged base first): chr4-13479470-AGTTT-A. GRCh37 (hg19) VCF-style: chr4-13481094-AGTTT-A.
Other names: c.128_131del, p.Gln43fs (NM_001159601.2, NM_004249.4); short protein forms Q43fs.
Identifiers: ClinVar variation 4849230 (VCV004849230.1).